The following is an entry in ClinVar:

ClinVar aggregate classification (germline): Uncertain significance (1 of 4 stars; one submission).

Allele frequency attached by ClinVar (database versions not stated): gnomAD exomes below 0.00001 and 0.00001.
gnomAD v4.1: 4 of 1,614,124 alleles (0.00025%); highest among the groups gnomAD compares: Non-Finnish European, 0.00034%; no homozygotes.

Submission:

GeneDx
Classification: Uncertain significance. Last evaluated: 2021-05-26. Review status: criteria provided, single submitter. Criteria: GeneDx Variant Classification Process June 2021. Collection method: clinical testing. Allele origin: germline. Affected: yes.
Comment: In silico analysis supports that this missense variant does not alter protein structure/function; Has not been previously published as pathogenic or benign to our knowledge

NM_003070.5(SMARCA2):c.2082T>G (p.Ser694Arg)

Gene: SMARCA2 (SWI/SNF related BAF chromatin remodeling complex subunit ATPase 2; plus strand). Cytogenetic location: 9p24.3.
Variant type: single nucleotide variant.
Coding change: c.2082T>G on transcript NM_003070.5 (MANE Select); coding-DNA position 2082, T replaced by G.
Protein change: p.Ser694Arg; replaces serine 694 with arginine.
Molecular consequence: missense variant.
Genome position (GRCh38, 1-based): chr9:2,077,674, T>G. VCF-style: chr9-2077674-T-G. GRCh37 (hg19) VCF-style: chr9-2077674-T-G.
Other names: c.2082T>G, p.Ser694Arg (NM_001289396.2, NM_001289397.2, NM_139045.4); short protein forms S694R.
Identifiers: ClinVar variation 1326395 (VCV001326395.2), dbSNP rs1263255821, ClinGen allele CA372783741.
Genomic context (GRCh38, chr9:2,077,674, plus strand): 5'-TTTTTCCTTTCCCAGGACAGCTAAGCAAGACGTGGATGATGAATACAGCATGCAGTACAG[T>G]GCCAGGGGCTCCCAGTCCTACTACACCGTGGCTCATGCCATCTCGGAGAGGGTGGAGAAA-3'
Protein context (NP_003061.3, residues 684-704): DVDDEYSMQY[Ser694Arg]ARGSQSYYTV